The following is an entry in ClinVar:

ClinVar aggregate classification (germline): Pathogenic/Likely pathogenic. Review status: criteria provided, multiple submitters, no conflicts (2 of 4 stars). 5 submissions from 5 submitters: Pathogenic (3); Likely pathogenic (1). 1 of the submissions does not count toward it. Last evaluated 2025-09-24.

Conditions:
Glucose-6-phosphate transport defect (GSD1B). Also called: Glycogen Storage Disease Type Ib; GSD Ib. Identifiers: Orphanet 364, Orphanet 79259, MedGen C0268146, MONDO:0009288, OMIM 232220.

Allele frequency attached by ClinVar (database versions not stated): ExAC 0.00001; gnomAD 0.00001 and 0.00002; gnomAD exomes 0.00001 and 0.00002; TOPMed 0.00001; 1000 Genomes Project 30x 0.00016; 1000 Genomes Project 0.00020.

Submissions (5):

Genesolutions, Medical Genetics Institutes, Ho Chi Minh City, Vietnam
Classification: Pathogenic for Glucose-6-phosphate transport defect. Last evaluated: 2025-09-24. Review status: criteria provided, single submitter. Criteria: ACMG Guidelines, 2015. Collection method: clinical testing. Allele origin: germline. Affected: yes.

Baylor Genetics
Classification: Pathogenic for Glucose-6-phosphate transport defect. Last evaluated: 2022-12-08. Review status: criteria provided, single submitter. Criteria: ACMG Guidelines, 2015. Collection method: clinical testing. Allele origin: unknown.

Women's Health and Genetics/Laboratory Corporation of America, LabCorp
Classification: Likely pathogenic for Glucose-6-phosphate transport defect. Last evaluated: 2022-08-15. Review status: criteria provided, single submitter. Criteria: LabCorp Variant Classification Summary - May 2015. Collection method: clinical testing. Allele origin: germline.
Comment: Variant summary: SLC37A4 c.652C>T (p.Gln218X) results in a premature termination codon, predicted to cause a truncation of the encoded protein or absence of the protein due to nonsense mediated decay, which are commonly known mechanisms for disease. Truncations downstream of this position have been classified as pathogenic by our laboratory. The variant allele was found at a frequency of 8.1e-06 in 247360 control chromosomes (gnomAD). c.652C>T has been reported in the literature in at least one compound heterozygous individual affected with Glycogen Storage Disease Type Ib (e.g. Veiga-da-Cunha_1998). To our knowledge, no experimental evidence demonstrating an impact on protein function has been reported. Two clinical diagnostic laboratories have submitted clinical-significance assessments for this variant to ClinVar after 2014. Both laboratories classified the variant as pathogenic (n=1) or likely pathogenic (n=1). Based on the evidence outlined above, the variant was classified as likely pathogenic.

Labcorp Genetics (formerly Invitae), Labcorp
Classification: Pathogenic for Glucose-6-phosphate transport defect. Last evaluated: 2021-12-19. Review status: criteria provided, single submitter. Criteria: Invitae Variant Classification Sherloc (09022015). Collection method: clinical testing. Allele origin: germline.
Comment: This sequence change creates a premature translational stop signal (p.Gln218*) in the SLC37A4 gene. It is expected to result in an absent or disrupted protein product. Loss-of-function variants in SLC37A4 are known to be pathogenic (PMID: 9758626, 10940311). For these reasons, this variant has been classified as Pathogenic. ClinVar contains an entry for this variant (Variation ID: 189147). This premature translational stop signal has been observed in individual(s) with glycogen storage disease type Ib (PMID: 9758626). This variant is present in population databases (rs551439289, gnomAD 0.007%).

Counsyl
Classification: Likely pathogenic for Glucose-6-phosphate transport defect. Last evaluated: 2015-01-22. Review status: no assertion criteria provided. Collection method: literature only. Allele origin: unknown. Inheritance: Autosomal recessive inheritance. Not counted in ClinVar's aggregate classification.

Literature cited by the submitters: PubMed 12373566 (cited by Women's Health and Genetics/Laboratory Corporation of America, LabCorp and Counsyl); PubMed 9758626 (cited by 3 submitters); PubMed 20386986 (cited by Women's Health and Genetics/Laboratory Corporation of America, LabCorp and Counsyl); PubMed 10940311 (cited by Labcorp Genetics (formerly Invitae), Labcorp).

NM_001164277.2(SLC37A4):c.652C>T (p.Gln218Ter)

Gene: SLC37A4 (solute carrier family 37 member 4; minus strand). Cytogenetic location: 11q23.3.
Variant type: single nucleotide variant.
Coding change: c.652C>T on transcript NM_001164277.2 (MANE Select); coding-DNA position 652, C replaced by T.
Protein change: p.Gln218Ter; replaces glutamine 218 with a stop codon.
Molecular consequence: nonsense.
Genome position (GRCh38, 1-based): chr11:119,027,069, G>A on the plus strand (C>T on the coding strand, the complement: SLC37A4 is on the minus strand). VCF-style: chr11-119027069-G-A. GRCh37 (hg19) VCF-style: chr11-118897779-G-A.
Other names: c.652C>T, p.Gln218Ter (NM_001164278.2, NM_001164280.2, NM_001467.6); c.433C>T, p.Gln145Ter (NM_001164279.2); short protein forms Q218*, Q145*.
Identifiers: ClinVar variation 189147 (VCV000189147.11), dbSNP rs551439289, ClinGen allele CA274419.